The following is an entry in ClinVar:

NM_015001.3(SPEN):c.406G>A (p.Ala136Thr)

Gene: SPEN (spen family transcriptional repressor; plus strand). Cytogenetic location: 1p36.21.
Variant type: single nucleotide variant.
Coding change: c.406G>A on transcript NM_015001.3 (MANE Select); coding-DNA position 406, G replaced by A.
Protein change: p.Ala136Thr; replaces alanine 136 with threonine.
Molecular consequence: missense variant.
Genome position (GRCh38, 1-based): chr1:15,876,203, G>A. VCF-style: chr1-15876203-G-A. GRCh37 (hg19) VCF-style: chr1-16202698-G-A.
Other names: short protein forms A136T.
Identifiers: ClinVar variation 4991726 (VCV004991726.1).
Genomic context (GRCh38, chr1:15,876,203, plus strand): 5'-TTGCTTTTAGTTTTGCTTGCTCCTTTCTGATTAAATATTTTTCCCCCTCCTAAATGCAGG[G>A]CTTCAGATAACAGGGAGCGTGCTTATGAACATAGTGCCTATGGACACCATGAACGGGGGA-3'
Protein context (NP_055816.2, residues 126-146): EGRYERRLDG[Ala136Thr]SDNRERAYEH

ClinVar aggregate classification (germline): Uncertain significance (1 of 4 stars; one submission).

Conditions:
SPEN-related disorder. Also called: SPEN-related condition.

gnomAD v4.1: 2 of 1,606,946 alleles (0.00012%); highest among the groups gnomAD compares: African/African-American, 0.0027%; no homozygotes.

Submission:

PreventionGenetics, part of Exact Sciences
Classification: Uncertain significance for SPEN-related condition. Last evaluated: 2025-12-02. Review status: criteria provided, single submitter. Criteria: ACMG Guidelines, 2015. Collection method: clinical testing. Allele origin: germline.
Comment: The SPEN c.406G>A variant is predicted to result in the amino acid substitution p.Ala136Thr. To our knowledge, this variant has not been reported in the literature. This variant is reported in 0.0080% of alleles in individuals of African descent in gnomAD. At this time, the clinical significance of this variant is uncertain due to the absence of conclusive functional and genetic evidence.